The following is an entry in ClinVar:

NM_000501.4(ELN):c.1828G>A (p.Gly610Ser)

Gene: ELN (elastin; plus strand). Cytogenetic location: 7q11.23.
Variant type: single nucleotide variant.
Coding change: c.1828G>A on transcript NM_000501.4 (MANE Select); coding-DNA position 1828, G replaced by A.
Protein change: p.Gly610Ser; replaces glycine 610 with serine.
Molecular consequence: missense variant.
Genome position (GRCh38, 1-based): chr7:74,063,194, G>A. VCF-style: chr7-74063194-G-A. GRCh37 (hg19) VCF-style: chr7-73477524-G-A.
Other names: c.1741G>A, p.Gly581Ser (NM_001081752.3); c.1786G>A, p.Gly596Ser (NM_001081753.3); c.1843G>A, p.Gly615Ser (NM_001081754.3); c.1771G>A, p.Gly591Ser (NM_001081755.3); c.1828G>A, p.Gly610Ser (NM_001278912.2); c.1585G>A, p.Gly529Ser (NM_001278913.2); c.1756G>A, p.Gly586Ser (NM_001278914.2); c.1846G>A, p.Gly616Ser (NM_001278915.2); and 4 more; short protein forms G610S, G672S, G521S, G586S, G596S, G600S, G615S, G529S.
Identifiers: ClinVar variation 226631 (VCV000226631.24), dbSNP rs140425210, ClinGen allele CA4293247.

ClinVar aggregate classification (germline): Benign/Likely benign. Review status: criteria provided, multiple submitters, no conflicts (2 of 4 stars). 9 submissions from 8 submitters: Benign (3); Likely benign (6). Last evaluated 2026-09-01.

Conditions:
Supravalvar aortic stenosis (SVAS). Also called: Supravalvar aortic stenosis, Eisenberg type. Identifiers: Orphanet 3193, MedGen C0003499, MONDO:0008504, OMIM 185500, HP:0004381.
Cutis laxa, autosomal dominant 1 (ADCL1). Also called: ELN-Related Cutis Laxa. Identifiers: Orphanet 90348, MedGen C3276539, MONDO:0007411, OMIM 123700. Disease mechanism: Dominant Negative.

Allele frequency attached by ClinVar (database versions not stated): gnomAD exomes 0.00027 and 0.00070; ExAC 0.00113; gnomAD 0.00265 and 0.00288; 1000 Genomes Project 0.00280; 1000 Genomes Project 30x 0.00281; TOPMed 0.00300; ESP Exome Variant Server 0.00315.
gnomAD v4.1: 839 of 1,609,756 alleles (0.052%); highest among the groups gnomAD compares: African/African-American, 0.9%; 3 homozygotes.

Submissions (9):

CeGaT Center for Human Genetics Tuebingen
Classification: Likely benign. Last evaluated: 2026-09-01. Review status: criteria provided, single submitter. Criteria: CeGaT Center For Human Genetics Tuebingen Variant Classification Criteria Version 2. Collection method: clinical testing. Allele origin: germline. Affected: yes. Observed: 1 variant allele.
Comment: ELN: BS1

Labcorp Genetics (formerly Invitae), Labcorp
Classification: Benign for Supravalvar aortic stenosis. Last evaluated: 2026-02-02. Review status: criteria provided, single submitter. Criteria: Invitae Variant Classification Sherloc (09022015). Collection method: clinical testing. Allele origin: germline.

Molecular Diagnostic Laboratory for Inherited Cardiovascular Disease, Montreal Heart Institute
Classification: Likely benign. Last evaluated: 2025-07-24. Review status: criteria provided, single submitter. Criteria: ACMG Guidelines, 2015. Collection method: clinical testing. Allele origin: germline. Affected: no.
Comment: BS1, BP1, BP4

Blueprint Genetics
Classification: Likely benign. Last evaluated: 2024-10-25. Review status: criteria provided, single submitter. Criteria: ACMG Guidelines, 2015. Collection method: clinical testing. Allele origin: germline.

GeneDx
Classification: Likely benign. Last evaluated: 2021-01-19. Review status: criteria provided, single submitter. Criteria: GeneDx Variant Classification Process June 2021. Collection method: clinical testing. Allele origin: germline. Affected: yes.
Comment: This variant is associated with the following publications: (PMID: 23401415)

Illumina Laboratory Services, Illumina
Classification: Likely benign for Cutis laxa, autosomal dominant 1. Last evaluated: 2017-04-28. Review status: criteria provided, single submitter. Criteria: ICSL Variant Classification Criteria 13 December 2019. Collection method: clinical testing. Allele origin: germline.
Comment: This variant was observed as part of a predisposition screen in an ostensibly healthy population. A literature search was performed for the gene, cDNA change, and amino acid change (where applicable). No publications were found based on this search. Allele frequency data from public databases allowed determination this variant is unlikely to cause disease. Therefore, this variant is classified as likely benign.

Illumina Laboratory Services, Illumina
Classification: Likely benign for Supravalvar aortic stenosis. Last evaluated: 2017-04-28. Review status: criteria provided, single submitter. Criteria: ICSL Variant Classification Criteria 13 December 2019. Collection method: clinical testing. Allele origin: germline.
Comment: This variant was observed as part of a predisposition screen in an ostensibly healthy population. A literature search was performed for the gene, cDNA change, and amino acid change (where applicable). Publications were found based on this search. The evidence from the literature, in combination with allele frequency data from public databases where available, was sufficient to determine this variant is unlikely to cause disease. Therefore, this variant is classified as likely benign.

Center for Pediatric Genomic Medicine, Children's Mercy Hospital and Clinics
Classification: Benign. Last evaluated: 2017-01-02. Review status: criteria provided, single submitter. Criteria: ACMG Guidelines, 2015. Collection method: clinical testing. Allele origin: germline.

Laboratory for Molecular Medicine, Mass General Brigham Personalized Medicine
Classification: Benign. Last evaluated: 2016-02-15. Review status: criteria provided, single submitter. Criteria: LMM Criteria. Collection method: clinical testing. Allele origin: germline. Observed: 1 variant allele.
Comment: p.Gly610Ser in exon 27 of ELN: This variant is not expected to have clinical sig nificance because it has been identified in 1.1% (90/7766) of African chromosome s from a broad population by the NHLBI Exome Sequencing Project (dbSNP rs140425210).

Literature cited by the submitters: PubMed 23401415 (cited by Illumina Laboratory Services, Illumina).